The following is an entry in ClinVar:

NM_002444.3(MSN):c.817C>T (p.Arg273Trp)

Gene: MSN (moesin; plus strand). Cytogenetic location: Xq12.
Variant type: single nucleotide variant.
Coding change: c.817C>T on transcript NM_002444.3 (MANE Select); coding-DNA position 817, C replaced by T.
Protein change: p.Arg273Trp; replaces arginine 273 with tryptophan.
Molecular consequence: missense variant.
Genome position (GRCh38, 1-based): chrX:65,735,288, C>T. VCF-style: chrX-65735288-C-T. GRCh37 (hg19) VCF-style: chrX-64955150-C-T.
Other names: short protein forms R273W.
Identifiers: ClinVar variation 982967 (VCV000982967.2), dbSNP rs1441590143, ClinGen allele CA413412570.

ClinVar aggregate classification (germline): Uncertain significance. Review status: criteria provided, multiple submitters, no conflicts (2 of 4 stars). 2 submissions from 2 submitters: Uncertain significance (2). Last evaluated 2026-01-07.

Conditions:
Combined immunodeficiency due to moesin deficiency. Also called: IMMUNODEFICIENCY 50, X-LINKED RECESSIVE; Immunodeficiency 50. Identifiers: Orphanet 504530, MedGen C5568123, MONDO:0010514, OMIM 300988.

Allele frequency attached by ClinVar (database versions not stated): gnomAD exomes below 0.00001; TOPMed 0.00001; gnomAD 0.00002; 1000 Genomes Project 30x 0.00021.
gnomAD v4.1: 5 of 1,209,189 alleles (0.00041%); highest among the groups gnomAD compares: South Asian, 0.0018%; no homozygotes.

Submissions (2):

Labcorp Genetics (formerly Invitae), Labcorp
Classification: Uncertain significance. Last evaluated: 2026-01-07. Review status: criteria provided, single submitter. Criteria: Invitae Variant Classification Sherloc (09022015). Collection method: clinical testing. Allele origin: germline.
Comment: This sequence change replaces arginine, which is basic and polar, with tryptophan, which is neutral and slightly polar, at codon 273 of the MSN protein (p.Arg273Trp). This variant is not present in population databases (gnomAD no frequency). This variant has not been reported in the literature in individuals affected with MSN-related conditions. ClinVar contains an entry for this variant (Variation ID: 982967). An algorithm developed to predict the effect of missense changes on protein structure and function (PolyPhen-2) suggests that this variant is likely to be disruptive. In summary, the available evidence is currently insufficient to determine the role of this variant in disease. Therefore, it has been classified as a Variant of Uncertain Significance.

Institute of Human Genetics, University of Leipzig Medical Center
Classification: Uncertain significance for Combined immunodeficiency due to moesin deficiency. Last evaluated: 2019-01-01. Review status: criteria provided, single submitter. Criteria: ACMG Guidelines, 2015. Collection method: clinical testing. Allele origin: unknown. Affected: yes.